The following is an entry in ClinVar:

ClinVar aggregate classification (germline): Pathogenic (1 of 4 stars; one submission).

Conditions:
Osteogenesis imperfecta type I (OI1). Also called: OI, TYPE I; OSTEOGENESIS IMPERFECTA TARDA; OSTEOGENESIS IMPERFECTA WITH BLUE SCLERAE; Osteogenesis imperfecta type 1; Lobstein disease; Classic Non-deforming Osteogenesis Imperfecta with Blue Sclerae. Identifiers: Orphanet 216796, Orphanet 666, MedGen C0023931, MONDO:0008146, OMIM 166200. Disease mechanism: loss of function.

Submission:

Labcorp Genetics (formerly Invitae), Labcorp
Classification: Pathogenic for Osteogenesis imperfecta type I. Last evaluated: 2019-06-03. Review status: criteria provided, single submitter. Criteria: Invitae Variant Classification Sherloc (09022015). Collection method: clinical testing. Allele origin: germline.
Comment: This sequence change creates a premature translational stop signal (p.Ala1134Profs*105) in the COL1A1 gene. It is expected to result in an absent or disrupted protein product. This variant is not present in population databases (ExAC no frequency). This variant has not been reported in the literature in individuals with COL1A1-related conditions. Loss-of-function variants in COL1A1 are known to be pathogenic (PMID: 7942841, 9295084, 9443882). For these reasons, this variant has been classified as Pathogenic.

NM_000088.4(COL1A1):c.3399del (p.Ala1134fs)

Gene: COL1A1 (collagen type I alpha 1 chain; minus strand). Cytogenetic location: 17q21.33.
Variant type: Deletion.
Coding change: c.3399del on transcript NM_000088.4 (MANE Select); coding-DNA position 3399, one base deleted (A; older notation c.3399delA).
Protein change: p.Ala1134fs; shifts the reading frame from alanine 1134.
Molecular consequence: frameshift variant.
Genome position (GRCh38, 1-based): chr17:50,187,508, T deleted on the plus strand (A on the coding strand, the reverse complement: COL1A1 is on the minus strand). VCF-style (leftmost placement, unchanged base first): chr17-50187507-CT-C. GRCh37 (hg19) VCF-style: chr17-48264868-CT-C.
Other names: short protein forms A1134fs.
Identifiers: ClinVar variation 952864 (VCV000952864.1), dbSNP rs1906658881, ClinGen allele CA1139665689.
Genomic context (GRCh38, chr17:50,187,507, plus strand): 5'-TGGGGCTCAGGAAGAGGAGAGAGAAGGCATGACTTACTCGGGGACCAGCAGGACCAGAGG[CT>C]CCAGAGGGACCTTGTTCACCAGGAGAGCCCTGAAGGACAGATAAAAAAGGCAGTTCAGGC-3'